The following is an entry in ClinVar:

ClinVar aggregate classification (germline): Pathogenic (1 of 4 stars; one submission).

Conditions:
Becker muscular dystrophy (BMD). Also called: MUSCULAR DYSTROPHY, PSEUDOHYPERTROPHIC PROGRESSIVE, BECKER TYPE; Becker Muscular Dystrophy (BMD). Identifiers: Orphanet 98895, MedGen C0917713, MONDO:0010311, OMIM 300376.
Duchenne muscular dystrophy (DMD). Also called: MUSCULAR DYSTROPHY, PSEUDOHYPERTROPHIC PROGRESSIVE, DUCHENNE TYPE; Duchenne Muscular Dystrophy (DMD). Identifiers: Orphanet 98896, MedGen C0013264, MONDO:0010679, OMIM 310200.

Submission:

Hunan Provincial Maternal and Child Health Care Hospital
Classification: Pathogenic for Duchenne muscular dystrophy; Becker muscular dystrophy. Last evaluated: 2024-07-01. Review status: criteria provided, single submitter. Criteria: ACMG/ClinGen CNV Guidelines, 2019. Collection method: clinical testing. Allele origin: maternal. Inheritance: X-linked recessive inheritance.
Comment: This is a copy-number loss (deletion) on chrX(GRCh37: g.31776453_32032326del; ~256 kb) that overlaps exons 45–51 of the DMD gene (OMIM: 300377; NM_000109). Loss-of-function of DMD is a known cause of Duchenne/Becker muscular dystrophy. Similar deletions of exons 45–51 have been reported in affected individuals (PMID: 25244321). Based on ACMG/ClinGen CNV criteria, this variant is classified as Pathogenic.

GRCh37/hg19 Xp21.1(chrX:31776453-32032326)x0

Gene: DMD (dystrophin; minus strand). Cytogenetic location: Xp21.1.
Variant type: copy number loss.
Change: copy number 0 of chrX:31,776,453-32,032,326 (255.9 kb, GRCh37 coordinates, 1-based), cytogenetic band Xp21.1.
Identifiers: ClinVar variation 4277351 (VCV004277351.1).